The following is an entry in ClinVar:

NM_000132.4(F8):c.6301C>G (p.His2101Asp)

Gene: F8 (coagulation factor VIII; minus strand). Cytogenetic location: Xq28.
Variant type: single nucleotide variant.
Coding change: c.6301C>G on transcript NM_000132.4 (MANE Select); coding-DNA position 6301, C replaced by G.
Protein change: p.His2101Asp; replaces histidine 2101 with aspartic acid.
Molecular consequence: missense variant.
Genome position (GRCh38, 1-based): chrX:154,896,205, G>C on the plus strand (C>G on the coding strand, the complement: F8 is on the minus strand). VCF-style: chrX-154896205-G-C. GRCh37 (hg19) VCF-style: chrX-154124480-G-C.
Other names: short protein forms H2101D.
Identifiers: ClinVar variation 804137 (VCV000804137.3), dbSNP rs1603432783, ClinGen allele CA414900220.
Genomic context (GRCh38, chrX:154,896,205, plus strand): 5'-TAAACTGAGAGATGTAGAGGCTGGAGAACTTCTGACGGGCACCCTGGGTCTTGATGCCGT[G>C]AATAATCATTGGTGCCAACAGATCCACCTACCAATTAAAATAACACTTTATTTTAACCTA-3'
Protein context (NP_000123.1, residues 2091-2111): KVDLLAPMII[His2101Asp]GIKTQGARQK

ClinVar aggregate classification (germline): Likely pathogenic. Review status: criteria provided, multiple submitters, no conflicts (2 of 4 stars). 2 submissions from 2 submitters: Likely pathogenic (2). Last evaluated 2020-12-14.

Conditions:
Hereditary factor VIII deficiency disease (HEMA). Also called: AUTOSOMAL HEMOPHILIA A; Hemophilia A; HEMOPHILIA, CLASSIC; Hemophilia A, congenital; HEM A; Factor 8 deficiency, congenital. Identifiers: Orphanet 98878, MedGen C0019069, MONDO:0010602, OMIM 306700.

Allele frequency attached by ClinVar (database versions not stated): TOPMed 0.00001.

Submissions (2):

Genetics and Molecular Pathology, SA Pathology
Classification: Likely pathogenic for Hereditary factor VIII deficiency disease. Last evaluated: 2020-12-14. Review status: criteria provided, single submitter. Criteria: ACMG Guidelines, 2015. Collection method: clinical testing. Allele origin: germline. Inheritance: X-linked recessive inheritance. Affected: yes.
Comment: PM1, PM2, PP3, PP4, PP5

Mendelics
Classification: Likely pathogenic for Hereditary factor VIII deficiency disease. Last evaluated: 2019-05-28. Review status: criteria provided, single submitter. Criteria: Mendelics Assertion Criteria 2017. Collection method: clinical testing. Allele origin: unknown.